The following is an entry in ClinVar:

NM_213720.3(CHCHD10):c.270C>T (p.Thr90=)

Gene: CHCHD10 (coiled-coil-helix-coiled-coil-helix domain containing 10; minus strand). Cytogenetic location: 22q11.23.
Variant type: single nucleotide variant.
Coding change: c.270C>T on transcript NM_213720.3 (MANE Select); coding-DNA position 270, C replaced by T.
Protein change: p.Thr90=; no amino-acid change (threonine 90 retained).
Molecular consequence: synonymous variant. On other transcripts: non-coding transcript variant (2).
Genome position (GRCh38, 1-based): chr22:23,766,267, G>A on the plus strand (C>T on the coding strand, the complement: CHCHD10 is on the minus strand). VCF-style: chr22-23766267-G-A. GRCh37 (hg19) VCF-style: chr22-24108454-G-A.
Other names: c.291C>T, p.Thr97= (NM_001301339.2).
Identifiers: ClinVar variation 3048545 (VCV003048545.2), dbSNP rs761383051, ClinGen allele CA410915225.
Genomic context (GRCh38, chr22:23,766,267, plus strand): 5'-CAGGAACTGCCTGATCTCGTAGGCGCAGGGCCCCATCTGCAGGGGCTGGGGGGCAGCGGG[G>A]GTGGGGGCCTGGGGGTACAGTGCAAGAGGCTGCAGGATCAGCTTGGAGTTGGCACCTGGA-3'
Protein context (NP_998885.1, residues 80-100): PSQPAVQQAP[Thr90=]PAAPQPLQMG

ClinVar aggregate classification (germline): Likely benign (0 of 4 stars; one submission).

Conditions:
CHCHD10-related disorder. Also called: CHCHD10-Related Disorders; CHCHD10-related condition. Identifiers: MedGen CN381526.

Submission:

PreventionGenetics, part of Exact Sciences
Classification: Likely benign for CHCHD10-related condition. Last evaluated: 2019-12-16. Review status: no assertion criteria provided. Collection method: clinical testing. Allele origin: germline.
Comment: This variant is classified as likely benign based on ACMG/AMP sequence variant interpretation guidelines (Richards et al. 2015 PMID: 25741868, with internal and published modifications).